The following is an entry in ClinVar:

ClinVar aggregate classification (germline): Uncertain significance. Review status: criteria provided, multiple submitters, no conflicts (2 of 4 stars). 2 submissions from 2 submitters: Uncertain significance (2). Last evaluated 2025-07-18.

Conditions:
Inborn genetic diseases. Identifiers: MedGen C0950123, MeSH D030342.

Allele frequency attached by ClinVar (database versions not stated): TOPMed below 0.00001; gnomAD exomes 0.00001.
gnomAD v4.1: 10 of 1,320,198 alleles (0.00076%); highest among the groups gnomAD compares: Admixed American, 0.0034%; no homozygotes.

Submissions (2):

Ambry Genetics
Classification: Uncertain significance for Inborn genetic diseases. Last evaluated: 2025-07-18. Review status: criteria provided, single submitter. Criteria: Ambry Variant Classification Scheme 2023. Collection method: clinical testing. Allele origin: germline.

Labcorp Genetics (formerly Invitae), Labcorp
Classification: Uncertain significance. Last evaluated: 2021-09-01. Review status: criteria provided, single submitter. Criteria: Invitae Variant Classification Sherloc (09022015). Collection method: clinical testing. Allele origin: germline.
Comment: This sequence change replaces arginine with glutamine at codon 61 of the HMX1 protein (p.Arg61Gln). The arginine residue is weakly conserved and there is a small physicochemical difference between arginine and glutamine. The frequency data for this variant in the population databases is considered unreliable, as metrics indicate insufficient coverage at this position in the ExAC database. This variant has not been reported in the literature in individuals affected with HMX1-related conditions. In summary, the available evidence is currently insufficient to determine the role of this variant in disease. Therefore, it has been classified as a Variant of Uncertain Significance.

NM_018942.3(HMX1):c.182G>A (p.Arg61Gln)

Gene: HMX1 (H6 family homeobox 1; minus strand). Cytogenetic location: 4p16.1.
Variant type: single nucleotide variant.
Coding change: c.182G>A on transcript NM_018942.3 (MANE Select); coding-DNA position 182, G replaced by A.
Protein change: p.Arg61Gln; replaces arginine 61 with glutamine.
Molecular consequence: missense variant.
Genome position (GRCh38, 1-based): chr4:8,871,433, C>T on the plus strand (G>A on the coding strand, the complement: HMX1 is on the minus strand). VCF-style: chr4-8871433-C-T. GRCh37 (hg19) VCF-style: chr4-8873159-C-T.
Other names: c.182G>A, p.Arg61Gln (NM_001306142.2); c.182G>A (NM_018942.2); short protein forms R61Q.
Identifiers: ClinVar variation 1058177 (VCV001058177.7), dbSNP rs1722217896, ClinGen allele CA356279156.